The following is an entry in ClinVar:

ClinVar aggregate classification (germline): Uncertain significance (1 of 4 stars; one submission).

Submission:

Labcorp Genetics (formerly Invitae), Labcorp
Classification: Uncertain significance. Last evaluated: 2022-09-01. Review status: criteria provided, single submitter. Criteria: Invitae Variant Classification Sherloc (09022015). Collection method: clinical testing. Allele origin: germline.
Comment: In summary, the available evidence is currently insufficient to determine the role of this variant in disease. Therefore, it has been classified as a Variant of Uncertain Significance. Advanced modeling of protein sequence and biophysical properties (such as structural, functional, and spatial information, amino acid conservation, physicochemical variation, residue mobility, and thermodynamic stability) performed at Invitae indicates that this missense variant is expected to disrupt SLC19A2 protein function. ClinVar contains an entry for this variant (Variation ID: 1412690). This variant has not been reported in the literature in individuals affected with SLC19A2-related conditions. This variant is not present in population databases (gnomAD no frequency). This sequence change replaces cysteine, which is neutral and slightly polar, with serine, which is neutral and polar, at codon 307 of the SLC19A2 protein (p.Cys307Ser).

NM_006996.3(SLC19A2):c.920G>C (p.Cys307Ser)

Gene: SLC19A2 (solute carrier family 19 member 2; minus strand). Cytogenetic location: 1q24.2.
Variant type: single nucleotide variant.
Coding change: c.920G>C on transcript NM_006996.3 (MANE Select); coding-DNA position 920, G replaced by C.
Protein change: p.Cys307Ser; replaces cysteine 307 with serine.
Molecular consequence: missense variant.
Genome position (GRCh38, 1-based): chr1:169,470,074, C>G on the plus strand (G>C on the coding strand, the complement: SLC19A2 is on the minus strand). VCF-style: chr1-169470074-C-G. GRCh37 (hg19) VCF-style: chr1-169439312-C-G.
Other names: c.317G>C, p.Cys106Ser (NM_001319667.1); short protein forms C307S, C106S.
Identifiers: ClinVar variation 1412690 (VCV001412690.6), dbSNP rs2101774849, ClinGen allele CA343131836.